The following is an entry in ClinVar:

NM_002474.3(MYH11):c.281C>G (p.Thr94Arg)

Gene: MYH11 (myosin heavy chain 11; minus strand). Cytogenetic location: 16p13.11.
Variant type: single nucleotide variant.
Coding change: c.281C>G on transcript NM_002474.3 (MANE Select); coding-DNA position 281, C replaced by G.
Protein change: p.Thr94Arg; replaces threonine 94 with arginine.
Molecular consequence: missense variant.
Genome position (GRCh38, 1-based): chr16:15,837,972, G>C on the plus strand (C>G on the coding strand, the complement: MYH11 is on the minus strand). VCF-style: chr16-15837972-G-C. GRCh37 (hg19) VCF-style: chr16-15931829-G-C.
Other names: c.281C>G, p.Thr94Arg (NM_001040113.2, NM_001040114.2, NM_022844.3); short protein forms T94R.
Identifiers: ClinVar variation 924138 (VCV000924138.5), dbSNP rs794728681, ClinGen allele CA395198271.

ClinVar aggregate classification (germline): Uncertain significance (1 of 4 stars; one submission).

Conditions:
Familial thoracic aortic aneurysm and aortic dissection (TAAD). Also called: Thoracic aortic aneurysms and dissections. Identifiers: Orphanet 91387, MedGen C4707243, MONDO:0019625.

Submission:

Color Diagnostics, LLC DBA Color Health
Classification: Uncertain significance for Familial thoracic aortic aneurysm and aortic dissection. Last evaluated: 2023-12-05. Review status: criteria provided, single submitter. Criteria: ACMG Guidelines, 2015. Collection method: clinical testing. Allele origin: germline.
Comment: Variant of Uncertain Significance due to insufficient evidence: This missense variant is located in the myosin motor domain of the MYH11 protein. Computational prediction tools and conservation analyses suggest that this variant may have deleterious impact on the protein function. Computational splicing tools suggest that this variant may not impact RNA splicing. To our knowledge, functional assays have not been performed for this variant nor has this variant been reported in individuals affected with cardiovascular disorders in the literature. This variant is rare in the general population and has been identified in 0/277264 chromosomes by the Genome Aggregation Database (gnomAD). Available evidence is insufficient to determine the role of this variant in disease conclusively.